The following is an entry in ClinVar:

NM_000465.4(BARD1):c.135G>A (p.Glu45=)

Gene: BARD1 (BRCA1 associated RING domain 1; minus strand). Cytogenetic location: 2q35.
Variant type: single nucleotide variant.
Coding change: c.135G>A on transcript NM_000465.4 (MANE Select); coding-DNA position 135, G replaced by A.
Protein change: p.Glu45=; no amino-acid change (glutamic acid 45 retained).
Molecular consequence: synonymous variant. On other transcripts: non-coding transcript variant (3).
Genome position (GRCh38, 1-based): chr2:214,809,435, C>T on the plus strand (G>A on the coding strand, the complement: BARD1 is on the minus strand). VCF-style: chr2-214809435-C-T. GRCh37 (hg19) VCF-style: chr2-215674159-C-T.
Other names: c.135G>A, p.Glu45= (NM_001282543.2, NM_001282545.2, NM_001282548.2 and 1 more transcripts).
Identifiers: ClinVar variation 2070509 (VCV002070509.5), dbSNP rs2469637671, ClinGen allele CA350464863.

ClinVar aggregate classification (germline): Benign/Likely benign. Review status: criteria provided, multiple submitters, no conflicts (2 of 4 stars). 2 submissions from 2 submitters: Benign (1); Likely benign (1). Last evaluated 2024-07-18.

Conditions:
Familial cancer of breast. Also called: hereditary breast carcinoma; Hereditary breast cancer; BREAST CANCER, FAMILIAL. Identifiers: Orphanet 227535, MedGen C0346153, MONDO:0016419, OMIM 114480. Disease mechanism: loss of function.

gnomAD v4.1: 1 of 1,612,334 alleles (0.000062%); highest among the groups gnomAD compares: Non-Finnish European, 0.000085%; no homozygotes.

Submissions (2):

Myriad Genetics, Inc.
Classification: Benign for Familial cancer of breast. Last evaluated: 2024-07-18. Review status: criteria provided, single submitter. Criteria: Myriad Autosomal Dominant, Autosomal Recessive and X-Linked Classification Criteria (2023). Collection method: clinical testing. Allele origin: unknown.
Comment: This variant is considered benign. This variant is a silent/synonymous amino acid change and it is not expected to impact splicing.

Labcorp Genetics (formerly Invitae), Labcorp
Classification: Likely benign for Familial cancer of breast. Last evaluated: 2023-09-03. Review status: criteria provided, single submitter. Criteria: Invitae Variant Classification Sherloc (09022015). Collection method: clinical testing. Allele origin: germline.